The following is an entry in ClinVar:

ClinVar aggregate classification (germline): Uncertain significance (0 of 4 stars; one submission).

Conditions:
RAI1-related disorder. Also called: RAI1-related condition.

gnomAD v4.1: 10 of 1,614,020 alleles (0.00062%); highest among the groups gnomAD compares: Non-Finnish European, 0.00068%; no homozygotes.

Submission:

PreventionGenetics, part of Exact Sciences
Classification: Uncertain significance for RAI1-related condition. Last evaluated: 2024-09-06. Review status: no assertion criteria provided. Collection method: clinical testing. Allele origin: germline.
Comment: The RAI1 c.1167C>G variant is predicted to result in the amino acid substitution p.His389Gln. To our knowledge, this variant has not been reported in the literature or in a large population database, indicating this variant is rare. At this time, the clinical significance of this variant is uncertain due to the absence of conclusive functional and genetic evidence.

NM_030665.4(RAI1):c.1167C>G (p.His389Gln)

Gene: RAI1 (retinoic acid induced 1; plus strand). Cytogenetic location: 17p11.2.
Variant type: single nucleotide variant.
Coding change: c.1167C>G on transcript NM_030665.4 (MANE Select); coding-DNA position 1167, C replaced by G.
Protein change: p.His389Gln; replaces histidine 389 with glutamine.
Molecular consequence: missense variant.
Genome position (GRCh38, 1-based): chr17:17,794,115, C>G. VCF-style: chr17-17794115-C-G. GRCh37 (hg19) VCF-style: chr17-17697429-C-G.
Other names: short protein forms H389Q.
Identifiers: ClinVar variation 3355766 (VCV003355766.1).